The following is an entry in ClinVar:

ClinVar aggregate classification (germline): Likely pathogenic (1 of 4 stars; one submission).

Conditions:
Episodic kinesigenic dyskinesia 3 (EKD3). Also called: DYSTONIA 36. Identifiers: MedGen C5830280, MONDO:0859380, OMIM 620245.

Submission:

3billion
Classification: Likely pathogenic for Episodic kinesigenic dyskinesia 3. Last evaluated: 2024-03-26. Review status: criteria provided, single submitter. Criteria: ACMG Guidelines, 2015. Collection method: clinical testing. Allele origin: germline. Affected: yes.
Comment: The variant is observed at an extremely low frequency in the gnomAD v4.0.0 dataset (total allele frequency: 0.002%). Predicted Consequence/Location: Missense variant Same nucleotide change resulting in same amino acid change has been previously reported to be associated with TMEM151A related disorder (PMID: 34820915).The variant has been previously reported as assumed (i.e. paternity and maternity not confirmed) de novo in at least one similarly affected unrelated individual (PMID: 34820915). A different missense change at the same codon (p.Pro276Arg) has been reported to be associated with TMEM151A related disorder (PMID: 34820915). Therefore, this variant is classified as Likely pathogenic according to the recommendation of ACMG/AMP guideline.

Literature cited by the submitters: PubMed 34820915.

NM_153266.4(TMEM151A):c.827C>T (p.Pro276Leu)

Gene: TMEM151A (transmembrane protein 151A; plus strand). Cytogenetic location: 11q13.2.
Variant type: single nucleotide variant.
Coding change: c.827C>T on transcript NM_153266.4 (MANE Select); coding-DNA position 827, C replaced by T.
Protein change: p.Pro276Leu; replaces proline 276 with leucine.
Molecular consequence: missense variant.
Genome position (GRCh38, 1-based): chr11:66,295,073, C>T. VCF-style: chr11-66295073-C-T. GRCh37 (hg19) VCF-style: chr11-66062544-C-T.
Other names: short protein forms P276L.
Identifiers: ClinVar variation 3775395 (VCV003775395.1).